The following is an entry in ClinVar:

ClinVar aggregate classification (germline): Uncertain significance (1 of 4 stars; one submission).

Conditions:
KBG syndrome (KBGS). Also called: ANKRD11-Related KBG Syndrome. Identifiers: Orphanet 2332, MedGen C0220687, MONDO:0007846, OMIM 148050.

Allele frequency attached by ClinVar (database versions not stated): gnomAD exomes below 0.00001.
gnomAD v4.1: 5 of 1,613,224 alleles (0.00031%); highest among the groups gnomAD compares: Non-Finnish European, 0.00042%; no homozygotes.

Submission:

Victorian Clinical Genetics Services, Murdoch Childrens Research Institute
Classification: Uncertain significance for KBG syndrome. Last evaluated: 2018-09-09. Review status: criteria provided, single submitter. Criteria: ACMG Guidelines, 2015. Collection method: clinical testing. Allele origin: unknown. Affected: yes. Observed: 1 variant allele.
Comment: A heterozygous missense variant, NM_013275.5(ANKRD11):c.3621G>C, has been identified in exon 9 of 11 of the ANKRD11 gene. The variant is predicted to result in a minor amino acid change from glutamic acid to aspartic acid at position 1207 of the protein (NM_013275.5(ANKRD11):p.(Glu1207Asp)). The glutamic acid residue at this position has low conservation (100 vertebrates, UCSC), with the aspartic acid residue observed in some mammals. It is not located within a well established functional domain. In silico predictions for this variant are consistently benign (Polyphen, SIFT, CADD, Mutation Taster). The variant is absent in population databases (gnomAD, dbSNP, 1000G), but has not been previously reported in clinical cases. Based on the information available at the time of curation, this variant has been classified as VARIANT of UNCERTAIN SIGNIFICANCE (VUS) with LOW CLINICAL RELEVANCE.

NM_013275.6(ANKRD11):c.3621G>C (p.Glu1207Asp)

Gene: ANKRD11 (ankyrin repeat domain 11; minus strand). Cytogenetic location: 16q24.3.
Variant type: single nucleotide variant.
Coding change: c.3621G>C on transcript NM_013275.6 (MANE Select); coding-DNA position 3621, G replaced by C.
Protein change: p.Glu1207Asp; replaces glutamic acid 1207 with aspartic acid.
Molecular consequence: missense variant.
Genome position (GRCh38, 1-based): chr16:89,282,921, C>G on the plus strand (G>C on the coding strand, the complement: ANKRD11 is on the minus strand). VCF-style: chr16-89282921-C-G. GRCh37 (hg19) VCF-style: chr16-89349329-C-G.
Other names: c.3621G>C, p.Glu1207Asp (NM_001256182.2, NM_001256183.2); short protein forms E1207D.
Identifiers: ClinVar variation 870403 (VCV000870403.2), dbSNP rs2034382319, ClinGen allele CA397159389.